The following is an entry in ClinVar:

NM_006904.7(PRKDC):c.10274G>T (p.Arg3425Leu)

Gene: PRKDC (protein kinase, DNA-activated, catalytic subunit; minus strand). Cytogenetic location: 8q11.21.
Variant type: single nucleotide variant.
Coding change: c.10274G>T on transcript NM_006904.7 (MANE Select); coding-DNA position 10274, G replaced by T.
Protein change: p.Arg3425Leu; replaces arginine 3425 with leucine.
Molecular consequence: missense variant.
Genome position (GRCh38, 1-based): chr8:47,799,233, C>A on the plus strand (G>T on the coding strand, the complement: PRKDC is on the minus strand). VCF-style: chr8-47799233-C-A. GRCh37 (hg19) VCF-style: chr8-48711794-C-A.
Other names: c.10274G>T, p.Arg3425Leu (NM_001081640.2); c.10274G>T (NM_006904.6); short protein forms R3425L.
Identifiers: ClinVar variation 1015416 (VCV001015416.3), dbSNP rs377205091, ClinGen allele CA4739362.

ClinVar aggregate classification (germline): Uncertain significance. Review status: criteria provided, multiple submitters, no conflicts (2 of 4 stars). 2 submissions from 2 submitters: Uncertain significance (2). Last evaluated 2023-02-13.

Conditions:
PRKDC-related disorder. Also called: PRKDC-related condition.
Severe combined immunodeficiency due to DNA-PKcs deficiency. Also called: IMMUNODEFICIENCY 26 WITH NEUROLOGIC ABNORMALITIES; Immunodeficiency 26 with or without neurologic abnormalities. Identifiers: Orphanet 317425, MedGen C4014833, MONDO:0014423, OMIM 615966.

Allele frequency attached by ClinVar (database versions not stated): ESP Exome Variant Server 0.00008; gnomAD 0.00009 and 0.00010.
gnomAD v4.1: 123 of 1,613,780 alleles (0.0076%); highest among the groups gnomAD compares: Non-Finnish European, 0.0095%; no homozygotes.

Submissions (2):

PreventionGenetics, part of Exact Sciences
Classification: Uncertain significance for PRKDC-related condition. Last evaluated: 2023-02-13. Review status: criteria provided, single submitter. Criteria: ACMG Guidelines, 2015. Collection method: clinical testing. Allele origin: germline.
Comment: The PRKDC c.10274G>T variant is predicted to result in the amino acid substitution p.Arg3425Leu. To our knowledge, this variant has not been reported in the literature. This variant is reported in 0.0083% of alleles in individuals of African descent in gnomAD. At this time, the clinical significance of this variant is uncertain due to the absence of conclusive functional and genetic evidence.

Labcorp Genetics (formerly Invitae), Labcorp
Classification: Uncertain significance for Severe combined immunodeficiency due to DNA-PKcs deficiency. Last evaluated: 2022-05-24. Review status: criteria provided, single submitter. Criteria: Invitae Variant Classification Sherloc (09022015). Collection method: clinical testing. Allele origin: germline.
Comment: This sequence change replaces arginine, which is basic and polar, with leucine, which is neutral and non-polar, at codon 3425 of the PRKDC protein (p.Arg3425Leu). This variant is present in population databases (rs377205091, gnomAD 0.008%). This variant has not been reported in the literature in individuals affected with PRKDC-related conditions. ClinVar contains an entry for this variant (Variation ID: 1015416). Experimental studies and prediction algorithms are not available or were not evaluated, and the functional significance of this variant is currently unknown. In summary, the available evidence is currently insufficient to determine the role of this variant in disease. Therefore, it has been classified as a Variant of Uncertain Significance.